The following is an entry in ClinVar:

NM_004656.4(BAP1):c.983C>T (p.Pro328Leu)

Gene: BAP1 (BRCA1 associated deubiquitinase 1; minus strand). Cytogenetic location: 3p21.1.
Variant type: single nucleotide variant.
Coding change: c.983C>T on transcript NM_004656.4 (MANE Select); coding-DNA position 983, C replaced by T.
Protein change: p.Pro328Leu; replaces proline 328 with leucine.
Molecular consequence: missense variant.
Genome position (GRCh38, 1-based): chr3:52,405,243, G>A on the plus strand (C>T on the coding strand, the complement: BAP1 is on the minus strand). VCF-style: chr3-52405243-G-A. GRCh37 (hg19) VCF-style: chr3-52439259-G-A.
Other names: short protein forms P328L.
Identifiers: ClinVar variation 823500 (VCV000823500.5), dbSNP rs1578223418, ClinGen allele CA353106098.

ClinVar aggregate classification (germline): Conflicting classifications of pathogenicity. Review status: criteria provided, conflicting classifications (1 of 4 stars). 2 submissions from 2 submitters: Uncertain significance (1); Likely benign (1). Last evaluated 2024-02-06.

Conditions:
Hereditary cancer-predisposing syndrome. Also called: Tumor predisposition; Hereditary Cancer Syndrome; Neoplastic Syndromes, Hereditary; Hereditary neoplastic syndrome. Identifiers: Orphanet 140162, MedGen C0027672, MeSH D009386, MONDO:0015356.

Submissions (2):

Ambry Genetics
Classification: Uncertain significance for Hereditary cancer-predisposing syndrome. Last evaluated: 2024-02-06. Review status: criteria provided, single submitter. Criteria: Ambry Variant Classification Scheme 2023. Collection method: clinical testing. Allele origin: germline.
Comment: The p.P328L variant (also known as c.983C>T), located in coding exon 11 of the BAP1 gene, results from a C to T substitution at nucleotide position 983. The proline at codon 328 is replaced by leucine, an amino acid with similar properties. This amino acid position is well conserved in available vertebrate species. In addition, the in silico prediction for this alteration is inconclusive. Based on the available evidence, the clinical significance of this alteration remains unclear.

Color Diagnostics, LLC DBA Color Health
Classification: Likely benign for Hereditary cancer-predisposing syndrome. Last evaluated: 2016-03-10. Review status: criteria provided, single submitter. Criteria: ACMG Guidelines, 2015. Collection method: clinical testing. Allele origin: germline.